The following is an entry in ClinVar:

NM_002900.3(RBP3):c.973G>C (p.Ala325Pro)

Gene: RBP3 (retinol binding protein 3; plus strand). Cytogenetic location: 10q11.22.
Variant type: single nucleotide variant.
Coding change: c.973G>C on transcript NM_002900.3 (MANE Select); coding-DNA position 973, G replaced by C.
Protein change: p.Ala325Pro; replaces alanine 325 with proline.
Molecular consequence: missense variant.
Genome position (GRCh38, 1-based): chr10:47,349,457, G>C. VCF-style: chr10-47349457-G-C. GRCh37 (hg19) VCF-style: chr10-48389905-C-G.
Other names: short protein forms A325P.
Identifiers: ClinVar variation 2050559 (VCV002050559.4), dbSNP rs368898051, ClinGen allele CA376667429.

ClinVar aggregate classification (germline): Uncertain significance (1 of 4 stars; one submission).

Submission:

Labcorp Genetics (formerly Invitae), Labcorp
Classification: Uncertain significance. Last evaluated: 2023-12-22. Review status: criteria provided, single submitter. Criteria: Invitae Variant Classification Sherloc (09022015). Collection method: clinical testing. Allele origin: germline.
Comment: This sequence change replaces alanine, which is neutral and non-polar, with proline, which is neutral and non-polar, at codon 325 of the RBP3 protein (p.Ala325Pro). This variant is not present in population databases (gnomAD no frequency). This variant has not been reported in the literature in individuals affected with RBP3-related conditions. ClinVar contains an entry for this variant (Variation ID: 2050559). An algorithm developed to predict the effect of missense changes on protein structure and function (PolyPhen-2) suggests that this variant is likely to be disruptive. In summary, the available evidence is currently insufficient to determine the role of this variant in disease. Therefore, it has been classified as a Variant of Uncertain Significance.